The following is an entry in ClinVar:

ClinVar aggregate classification (germline): Uncertain significance (1 of 4 stars; one submission).

Conditions:
Cardiovascular phenotype. Identifiers: MedGen CN230736.

Submission:

Ambry Genetics
Classification: Uncertain significance for Cardiovascular phenotype. Last evaluated: 2026-08-03. Review status: criteria provided, single submitter. Criteria: Ambry Variant Classification Scheme 2023. Collection method: clinical testing. Allele origin: germline.
Comment: The p.A372G variant (also known as c.1115C>G), located in coding exon 4 of the PKP2 gene, results from a C to G substitution at nucleotide position 1115. The alanine at codon 372 is replaced by glycine, an amino acid with similar properties. This amino acid position is conserved. In addition, this alteration is predicted to be tolerated by in silico analysis. Based on the available evidence, the clinical significance of this variant remains unclear.

NM_001005242.3(PKP2):c.1115C>G (p.Ala372Gly)

Gene: PKP2 (plakophilin 2; minus strand). Cytogenetic location: 12p11.21.
Variant type: single nucleotide variant.
Coding change: c.1115C>G on transcript NM_001005242.3 (MANE Select); coding-DNA position 1115, C replaced by G.
Protein change: p.Ala372Gly; replaces alanine 372 with glycine.
Molecular consequence: missense variant.
Genome position (GRCh38, 1-based): chr12:32,868,982, G>C on the plus strand (C>G on the coding strand, the complement: PKP2 is on the minus strand). VCF-style: chr12-32868982-G-C. GRCh37 (hg19) VCF-style: chr12-33021916-G-C.
Other names: c.1115C>G, p.Ala372Gly (NM_001407157.1, NM_001407161.1, NM_004572.4 and 2 more transcripts); c.788C>G, p.Ala263Gly (NM_001407158.1, NM_001407159.1, NM_001407160.1 and 1 more transcripts); short protein forms A372G, A263G.
Identifiers: ClinVar variation 5026787 (VCV005026787.1).